The following is an entry in ClinVar:

ClinVar aggregate classification (germline): Uncertain significance. Review status: criteria provided, multiple submitters, no conflicts (2 of 4 stars). 3 submissions from 3 submitters: Uncertain significance (3). Last evaluated 2024-03-29.

Conditions:
Xeroderma pigmentosum, group F (XPF). Also called: XERODERMA PIGMENTOSUM, COMPLEMENTATION GROUP F; ERCC4-Related Xeroderma Pigmentosum; XERODERMA PIGMENTOSUM, TYPE F; Xeroderma pigmentosum, type 6; XERODERMA PIGMENTOSUM VI; XP, GROUP F. Identifiers: MedGen C0268140, MONDO:0010215, OMIM 278760.
XFE progeroid syndrome (XFEPS). Also called: XPF-ERCC1 PROGEROID SYNDROME. Identifiers: MedGen C1970416, MONDO:0012590, OMIM 610965.
Fanconi anemia complementation group Q. Identifiers: Orphanet 84, MedGen C3808988, MONDO:0014108, OMIM 615272.

Allele frequency attached by ClinVar (database versions not stated): gnomAD exomes below 0.00001 and 0.00001; TOPMed 0.00003; gnomAD 0.00005.
gnomAD v4.1: 23 of 1,613,558 alleles (0.0014%); highest among the groups gnomAD compares: Non-Finnish European, 0.0019%; no homozygotes.

Submissions (4):

Fulgent Genetics
Classification: Uncertain significance for Xeroderma pigmentosum, group F; XFE progeroid syndrome; Fanconi anemia complementation group Q. Last evaluated: 2024-03-29. Review status: criteria provided, single submitter. Criteria: ACMG Guidelines, 2015. Collection method: clinical testing. Allele origin: germline.

GeneDx
Classification: Uncertain significance. Last evaluated: 2022-01-14. Review status: criteria provided, single submitter. Criteria: GeneDx Variant Classification Process June 2021. Collection method: clinical testing. Allele origin: germline. Affected: yes.
Comment: Not observed at significant frequency in large population cohorts (gnomAD); In silico analysis supports that this missense variant has a deleterious effect on protein structure/function; Has not been previously published as pathogenic or benign to our knowledge

Genetic Services Laboratory, University of Chicago
Classification: Uncertain significance. Last evaluated: 2016-04-07. Review status: criteria provided, single submitter. Criteria: ACMG Guidelines, 2015. Collection method: clinical testing. Allele origin: germline. Affected: no.

Dr. Peter K. Rogan Lab, Western University
No classification provided (evidence only). Condition: Ovarian serous cystadenocarcinoma. Review status: no classification provided. Collection method: in vitro. Allele origin: not applicable. Functional consequence: retained intron. Not counted in ClinVar's aggregate classification.

NM_005236.3(ERCC4):c.396G>T (p.Leu132Phe)

Gene: ERCC4 (ERCC excision repair 4, endonuclease catalytic subunit; plus strand). Cytogenetic location: 16p13.12.
Variant type: single nucleotide variant.
Coding change: c.396G>T on transcript NM_005236.3 (MANE Select); coding-DNA position 396, G replaced by T.
Protein change: p.Leu132Phe; replaces leucine 132 with phenylalanine.
Molecular consequence: missense variant.
Genome position (GRCh38, 1-based): chr16:13,926,568, G>T. VCF-style: chr16-13926568-G-T. GRCh37 (hg19) VCF-style: chr16-14020425-G-T.
Other names: NC_000016.9:g.14020425G>T; short protein forms L132F.
Identifiers: ClinVar variation 435075 (VCV000435075.10), dbSNP rs1261870926, ClinGen allele CA394819490.